The following is an entry in ClinVar:

NM_206933.4(USH2A):c.999_1000dup (p.Arg334fs)

Gene: USH2A (usherin; minus strand). Cytogenetic location: 1q41.
Variant type: Duplication.
Coding change: c.999_1000dup on transcript NM_206933.4 (MANE Select); coding-DNA positions 999 to 1000, 2 bases duplicated (AC; older notation c.999_1000dupAC).
Protein change: p.Arg334fs; shifts the reading frame from arginine 334.
Molecular consequence: frameshift variant.
Genome position (GRCh38, 1-based): chr1:216,325,448-216,325,449, GT duplicated on the plus strand (AC on the coding strand, the reverse complement: USH2A is on the minus strand); duplicating any 2 consecutive bases within chr1:216,325,448-216,325,450 gives the same sequence; the c. name uses the placement nearest the transcript's 3' end. VCF-style (leftmost placement, unchanged base first): chr1-216325447-C-CGT. GRCh37 (hg19) VCF-style: chr1-216498789-C-CGT.
Other names: c.999_1000dup, p.Arg334fs (NM_007123.6); short protein forms R334fs.
Identifiers: ClinVar variation 801621 (VCV000801621.6), dbSNP rs1571703770, ClinGen allele CA915942020.

ClinVar aggregate classification (germline): Pathogenic. Review status: criteria provided, multiple submitters, no conflicts (2 of 4 stars). 3 submissions from 3 submitters: Pathogenic (3). Last evaluated 2023-11-04.

Conditions:
Usher syndrome type 2A. Also called: USHER SYNDROME, TYPE IIA; RETINAL DISEASE IN USHER SYNDROME TYPE IIA, MODIFIER OF. Identifiers: Orphanet 231178, Orphanet 886, MedGen C1848634, MONDO:0010169, OMIM 276901.

Submissions (3):

Genome-Nilou Lab
Classification: Pathogenic for Usher syndrome type 2A. Last evaluated: 2023-11-04. Review status: criteria provided, single submitter. Criteria: ACMG Guidelines, 2015. Collection method: clinical testing. Allele origin: germline. Affected: no.

Labcorp Genetics (formerly Invitae), Labcorp
Classification: Pathogenic. Last evaluated: 2022-04-24. Review status: criteria provided, single submitter. Criteria: Invitae Variant Classification Sherloc (09022015). Collection method: clinical testing. Allele origin: germline.
Comment: For these reasons, this variant has been classified as Pathogenic. ClinVar contains an entry for this variant (Variation ID: 801621). This variant has not been reported in the literature in individuals affected with USH2A-related conditions. This variant is not present in population databases (gnomAD no frequency). This sequence change creates a premature translational stop signal (p.Arg334Hisfs*3) in the USH2A gene. It is expected to result in an absent or disrupted protein product. Loss-of-function variants in USH2A are known to be pathogenic (PMID: 10729113, 10909849, 20507924, 25649381).

Mendelics
Classification: Pathogenic for Usher syndrome type 2A. Last evaluated: 2019-05-28. Review status: criteria provided, single submitter. Criteria: Mendelics Assertion Criteria 2017. Collection method: clinical testing. Allele origin: unknown.

Literature cited by the submitters: PubMed 10729113 (cited by Labcorp Genetics (formerly Invitae), Labcorp); PubMed 10909849 (cited by Labcorp Genetics (formerly Invitae), Labcorp); PubMed 20507924 (cited by Labcorp Genetics (formerly Invitae), Labcorp); PubMed 25649381 (cited by Labcorp Genetics (formerly Invitae), Labcorp).